The following is an entry in ClinVar:

NM_020738.4(KIDINS220):c.3747G>C (p.Gln1249His)

Gene: KIDINS220 (kinase D interacting substrate 220; minus strand). Cytogenetic location: 2p25.1.
Variant type: single nucleotide variant.
Coding change: c.3747G>C on transcript NM_020738.4 (MANE Select); coding-DNA position 3747, G replaced by C.
Protein change: p.Gln1249His; replaces glutamine 1249 with histidine.
Molecular consequence: missense variant. On other transcripts: non-coding transcript variant (2).
Genome position (GRCh38, 1-based): chr2:8,734,724, C>G on the plus strand (G>C on the coding strand, the complement: KIDINS220 is on the minus strand). VCF-style: chr2-8734724-C-G. GRCh37 (hg19) VCF-style: chr2-8874854-C-G.
Other names: c.3750G>C, p.Gln1250His (NM_001348729.2); c.3693G>C, p.Gln1231His (NM_001348731.2); c.3690G>C, p.Gln1230His (NM_001348732.2, NM_001348738.2); c.3579G>C, p.Gln1193His (NM_001348734.2, NM_001348739.2, NM_001348740.2); c.3576G>C, p.Gln1192His (NM_001348735.2, NM_001348741.2, NM_001348742.2 and 1 more transcripts); c.3450G>C, p.Gln1150His (NM_001348736.2); short protein forms Q1150H, Q1192H, Q1193H, Q1230H, Q1231H, Q1249H, Q1250H.
Identifiers: ClinVar variation 3353205 (VCV003353205.1).
Genomic context (GRCh38, chr2:8,734,724, plus strand): 5'-GAAAAGGTGCCAGTCTCCAAAATTCATATTCATCTCTTTCTTCAGCTCATCAATGTTACA[C>G]TGAGCTAACACACGGCCATTTATGTTTGCCTGAGTAAAAATTAAAACAATTATGGGTATA-3'
Protein context (NP_065789.1, residues 1239-1259): KANINGRVLA[Gln1249His]CNIDELKKEM

ClinVar aggregate classification (germline): Uncertain significance (0 of 4 stars; one submission).

Conditions:
KIDINS220-related disorder. Also called: KIDINS220-related condition.

gnomAD v4.1: 1 of 1,613,258 alleles (0.000062%); highest among the groups gnomAD compares: Admixed American, 0.0017%; no homozygotes.

Submission:

PreventionGenetics, part of Exact Sciences
Classification: Uncertain significance for KIDINS220-related condition. Last evaluated: 2024-02-28. Review status: no assertion criteria provided. Collection method: clinical testing. Allele origin: germline.
Comment: The KIDINS220 c.3747G>C variant is predicted to result in the amino acid substitution p.Gln1249His. To our knowledge, this variant has not been reported in the literature. This variant is reported in 0.0029% of alleles in individuals of Latino descent in gnomAD. At this time, the clinical significance of this variant is uncertain due to the absence of conclusive functional and genetic evidence.